The following is an entry in ClinVar:

ClinVar aggregate classification (germline): Pathogenic (1 of 4 stars; one submission).

Conditions:
DiGeorge syndrome. Also called: THIRD AND FOURTH PHARYNGEAL POUCH SYNDROME; Catch22. Identifiers: Orphanet 567, MedGen C0012236, MONDO:0008564, OMIM 188400.

Submission:

Labcorp Genetics (formerly Invitae), Labcorp
Classification: Pathogenic for DiGeorge syndrome. Last evaluated: 2023-10-13. Review status: criteria provided, single submitter. Criteria: Invitae Variant Classification Sherloc (09022015). Collection method: clinical testing. Allele origin: germline.
Comment: This sequence change creates a premature translational stop signal (p.Gln330*) in the TBX1 gene. While this is not anticipated to result in nonsense mediated decay, it is expected to disrupt the last 166 amino acid(s) of the TBX1 protein. This variant is not present in population databases (gnomAD no frequency). This variant has not been reported in the literature in individuals affected with TBX1-related conditions. This variant disrupts a region of the TBX1 protein in which other variant(s) (p.Ser408Trpfs*52) have been determined to be pathogenic (PMID: 14585638, 15703190). This suggests that this is a clinically significant region of the protein, and that variants that disrupt it are likely to be disease-causing. For these reasons, this variant has been classified as Pathogenic.

Literature cited by the submitters: PubMed 14585638; PubMed 15703190.

NM_001379200.1(TBX1):c.1015C>T (p.Gln339Ter)

Gene: TBX1 (T-box transcription factor 1; plus strand). Cytogenetic location: 22q11.21.
Variant type: single nucleotide variant.
Coding change: c.1015C>T on transcript NM_001379200.1 (MANE Select); coding-DNA position 1015, C replaced by T.
Protein change: p.Gln339Ter; replaces glutamine 339 with a stop codon.
Molecular consequence: nonsense.
Genome position (GRCh38, 1-based): chr22:19,765,981, C>T. VCF-style: chr22-19765981-C-T. GRCh37 (hg19) VCF-style: chr22-19753504-C-T.
Other names: c.988C>T, p.Gln330Ter (NM_005992.1, NM_080646.2, NM_080647.1); short protein forms Q339*, Q330*.
Identifiers: ClinVar variation 2803732 (VCV002803732.3), dbSNP rs2517855328, ClinGen allele CA410683894.